The following is an entry in ClinVar:

NM_014363.6(SACS):c.10287C>T (p.Cys3429=)

Gene: SACS (sacsin molecular chaperone; minus strand). Cytogenetic location: 13q12.12.
Variant type: single nucleotide variant.
Coding change: c.10287C>T on transcript NM_014363.6 (MANE Select); coding-DNA position 10287, C replaced by T.
Protein change: p.Cys3429=; no amino-acid change (cysteine 3429 retained).
Molecular consequence: synonymous variant.
Genome position (GRCh38, 1-based): chr13:23,333,589, G>A on the plus strand (C>T on the coding strand, the complement: SACS is on the minus strand). VCF-style: chr13-23333589-G-A. GRCh37 (hg19) VCF-style: chr13-23907728-G-A.
Other names: p.Cys3429=; c.9846C>T, p.Cys3282= (NM_001278055.2); c.10314C>T, p.Cys3438= (NM_001437336.1).
Identifiers: ClinVar variation 4683780 (VCV004683780.1).
Genomic context (GRCh38, chr13:23,333,589, plus strand): 5'-TGATGATGACTGTGTCCATTTCTCCACTTCAGCTGAAGGGATACTTTTTGTAAGTACGTA[G>A]CATGTTCCAAATTTTCCAATGCTTACATAGCGGCCACTGATGGATTTATAGCACGGAAGT-3'
Protein context (NP_055178.3, residues 3419-3439): RYVSIGKFGT[Cys3429=]YVLTKSIPSA

ClinVar aggregate classification (germline): Likely benign (1 of 4 stars; one submission).

gnomAD v4.1: 1 of 1,613,628 alleles (0.000062%); highest among the groups gnomAD compares: Middle Eastern, 0.016%; no homozygotes.

Submission:

Mayo Clinic Laboratories, Mayo Clinic
Classification: Likely benign. Last evaluated: 2025-12-05. Review status: criteria provided, single submitter. Criteria: ACMG Guidelines, 2015. Collection method: clinical testing. Allele origin: germline. Observed: 1 variant allele.
Comment: BP4, BP7